The following is an entry in ClinVar:

ClinVar aggregate classification (germline): Pathogenic. Review status: criteria provided, multiple submitters, no conflicts (2 of 4 stars). 2 submissions from 2 submitters: Pathogenic (2). Last evaluated 2023-09-30.

Conditions:
Retinitis pigmentosa 39 (RP39). Identifiers: Orphanet 791, MedGen C3151138, MONDO:0013436, OMIM 613809.

Allele frequency attached by ClinVar (database versions not stated): gnomAD exomes below 0.00001.

Submissions (2):

Labcorp Genetics (formerly Invitae), Labcorp
Classification: Pathogenic. Last evaluated: 2023-09-30. Review status: criteria provided, single submitter. Criteria: Invitae Variant Classification Sherloc (09022015). Collection method: clinical testing. Allele origin: germline.
Comment: This sequence change creates a premature translational stop signal (p.Gln3845*) in the USH2A gene. It is expected to result in an absent or disrupted protein product. Loss-of-function variants in USH2A are known to be pathogenic (PMID: 10729113, 10909849, 20507924, 25649381). This variant is not present in population databases (gnomAD no frequency). This premature translational stop signal has been observed in individual(s) with Usher syndrome (PMID: 20507924). For these reasons, this variant has been classified as Pathogenic.

Baylor Genetics
Classification: Pathogenic for Retinitis pigmentosa 39. Last evaluated: 2021-11-29. Review status: criteria provided, single submitter. Criteria: ACMG Guidelines, 2015. Collection method: clinical testing. Allele origin: unknown.

Literature cited by the submitters: PubMed 10729113 (cited by Labcorp Genetics (formerly Invitae), Labcorp); PubMed 10909849 (cited by Labcorp Genetics (formerly Invitae), Labcorp); PubMed 20507924 (cited by Labcorp Genetics (formerly Invitae), Labcorp); PubMed 25649381 (cited by Labcorp Genetics (formerly Invitae), Labcorp).

NM_206933.4(USH2A):c.11533C>T (p.Gln3845Ter)

Gene: USH2A (usherin; minus strand). Cytogenetic location: 1q41.
Variant type: single nucleotide variant.
Coding change: c.11533C>T on transcript NM_206933.4 (MANE Select); coding-DNA position 11533, C replaced by T.
Protein change: p.Gln3845Ter; replaces glutamine 3845 with a stop codon.
Molecular consequence: nonsense.
Genome position (GRCh38, 1-based): chr1:215,743,192, G>A on the plus strand (C>T on the coding strand, the complement: USH2A is on the minus strand). VCF-style: chr1-215743192-G-A. GRCh37 (hg19) VCF-style: chr1-215916534-G-A.
Other names: short protein forms Q3845*.
Identifiers: ClinVar variation 2679576 (VCV002679576.4), dbSNP rs2465069905, ClinGen allele CA344834566.